The following is an entry in ClinVar:

ClinVar aggregate classification (germline): Uncertain significance. Review status: criteria provided, multiple submitters, no conflicts (2 of 4 stars). 2 submissions from 2 submitters: Uncertain significance (2). Last evaluated 2024-06-10.

Allele frequency attached by ClinVar (database versions not stated): gnomAD 0.00003.
gnomAD v4.1: 12 of 1,546,490 alleles (0.00078%); highest among the groups gnomAD compares: African/African-American, 0.0097%; no homozygotes.

Submissions (2):

Ambry Genetics
Classification: Uncertain significance. Last evaluated: 2024-06-10. Review status: criteria provided, single submitter. Criteria: Ambry Variant Classification Scheme 2023. Collection method: clinical testing. Allele origin: germline.

Labcorp Genetics (formerly Invitae), Labcorp
Classification: Uncertain significance. Last evaluated: 2022-07-25. Review status: criteria provided, single submitter. Criteria: Invitae Variant Classification Sherloc (09022015). Collection method: clinical testing. Allele origin: germline.
Comment: Algorithms developed to predict the effect of missense changes on protein structure and function (SIFT, PolyPhen-2, Align-GVGD) all suggest that this variant is likely to be tolerated. This variant has not been reported in the literature in individuals affected with POLRMT-related conditions. This variant is not present in population databases (gnomAD no frequency). This sequence change replaces proline, which is neutral and non-polar, with arginine, which is basic and polar, at codon 46 of the POLRMT protein (p.Pro46Arg). In summary, the available evidence is currently insufficient to determine the role of this variant in disease. Therefore, it has been classified as a Variant of Uncertain Significance.

NM_005035.4(POLRMT):c.137C>G (p.Pro46Arg)

Gene: POLRMT (RNA polymerase mitochondrial; minus strand). Cytogenetic location: 19p13.3.
Variant type: single nucleotide variant.
Coding change: c.137C>G on transcript NM_005035.4 (MANE Select); coding-DNA position 137, C replaced by G.
Protein change: p.Pro46Arg; replaces proline 46 with arginine.
Molecular consequence: missense variant.
Genome position (GRCh38, 1-based): chr19:632,890, G>C on the plus strand (C>G on the coding strand, the complement: POLRMT is on the minus strand). VCF-style: chr19-632890-G-C. GRCh37 (hg19) VCF-style: chr19-632890-G-C.
Other names: c.137C>G, p.Pro46Arg (NM_001407809.1, NM_001407810.1, NM_001407811.1 and 12 more transcripts); c.137C>G (NM_005035.3); c.-188C>G (NM_001407831.1, NM_001407833.1, NM_001407834.1 and 2 more transcripts); short protein forms P46R.
Identifiers: ClinVar variation 2081046 (VCV002081046.5), dbSNP rs1222459643, ClinGen allele CA402906682.